The following is an entry in ClinVar:

ClinVar aggregate classification (germline): Uncertain significance (1 of 4 stars; one submission).

Conditions:
Distal myopathy with posterior leg and anterior hand involvement. Also called: WILLIAMS DISTAL MYOPATHY. Identifiers: Orphanet 63273, MedGen C3279722, MONDO:0013550, OMIM 614065.
Myofibrillar myopathy 5. Also called: Filaminopathy (type); FILAMINOPATHY, AUTOSOMAL DOMINANT. Identifiers: Orphanet 171445, MedGen C1836050, MONDO:0012289, OMIM 609524.
Hypertrophic cardiomyopathy 26. Also called: Cardiomyopathy, familial hypertrophic, 26. Identifiers: Orphanet 75249, MedGen C4310749, MONDO:0014883, OMIM 617047.

Submission:

Labcorp Genetics (formerly Invitae), Labcorp
Classification: Uncertain significance for Distal myopathy with posterior leg and anterior hand involvement; Myofibrillar myopathy 5; Hypertrophic cardiomyopathy 26. Last evaluated: 2018-04-11. Review status: criteria provided, single submitter. Criteria: Invitae Variant Classification Sherloc (09022015). Collection method: clinical testing. Allele origin: germline.
Comment: In summary, the available evidence is currently insufficient to determine the role of this variant in disease. Therefore, it has been classified as a Variant of Uncertain Significance. Algorithms developed to predict the effect of missense changes on protein structure and function output the following: SIFT: "Tolerated"; Align-GVGD: "Class C0". The glutamic acid amino acid residue is found in multiple mammalian species, suggesting that this missense change does not adversely affect protein function. These predictions have not been confirmed by published functional studies and their clinical significance is uncertain. This variant has not been reported in the literature in individuals with FLNC-related disease. This variant is not present in population databases (ExAC no frequency). This sequence change replaces aspartic acid with glutamic acid at codon 710 of the FLNC protein (p.Asp710Glu). The aspartic acid residue is weakly conserved and there is a small physicochemical difference between aspartic acid and glutamic acid.

NM_001458.5(FLNC):c.2130C>A (p.Asp710Glu)

Genes: FLNC (filamin C; plus strand), LOC129999273 (ATAC-STARR-seq lymphoblastoid silent region 18616; plus strand). Cytogenetic location: 7q32.1.
Variant type: single nucleotide variant.
Coding change: c.2130C>A on transcript NM_001458.5 (MANE Select); coding-DNA position 2130, C replaced by A.
Protein change: p.Asp710Glu; replaces aspartic acid 710 with glutamic acid.
Molecular consequence: missense variant.
Genome position (GRCh38, 1-based): chr7:128,842,239, C>A. VCF-style: chr7-128842239-C-A. GRCh37 (hg19) VCF-style: chr7-128482293-C-A.
Other names: c.2130C>A, p.Asp710Glu (NM_001127487.2); short protein forms D710E.
Identifiers: ClinVar variation 571429 (VCV000571429.9), dbSNP rs778781499, ClinGen allele CA369228547.